The following is an entry in ClinVar:

ClinVar aggregate classification (germline): Likely pathogenic (1 of 4 stars; one submission).

Conditions:
Intellectual developmental disorder, autosomal dominant 39. Also called: Mental retardation, autosomal dominant 39; Intellectual disability, autosomal dominant 39. Identifiers: MedGen C4225296, MONDO:0014678, OMIM 616521.

Submission:

Pediatrics, Sichuan Provincial Hospital For Women And Children
Classification: Likely pathogenic for Intellectual developmental disorder, autosomal dominant 39. Last evaluated: 2024-09-21. Review status: criteria provided, single submitter. Criteria: ACMG Guidelines, 2015. Collection method: provider interpretation. Allele origin: de novo. Inheritance: Autosomal dominant inheritance. Affected: yes. Observed: 1 hemizygote.
Comment: seq[hg38]2p25.3(Chr2:1851612-1943337)x1.This variation suggests deletion of exons 9-19 of the MYT1L gene, resulting in altered protein function, which are commonly known mechanisms for disease. This variant is not found in 1000G, ExAC, or gnomAD database. Based on the evidence outlined above, the variant was classified as likely pathogenic. ACGM: PVS1_Strong+PS2_Moderate+PM2_Supporting

NM_001303052.2:g.(?_1851612)_(1943337_?)del

Gene: MYT1L (myelin transcription factor 1 like; minus strand).
Variant type: Deletion.
Identifiers: ClinVar variation 3340531 (VCV003340531.2).